The following is an entry in ClinVar:

NM_000133.4(F9):c.1193G>T (p.Gly398Val)

Gene: F9 (coagulation factor IX; plus strand). Cytogenetic location: Xq27.1.
Variant type: single nucleotide variant.
Coding change: c.1193G>T on transcript NM_000133.4 (MANE Select); coding-DNA position 1193, G replaced by T.
Protein change: p.Gly398Val; replaces glycine 398 with valine.
Molecular consequence: missense variant.
Genome position (GRCh38, 1-based): chrX:139,561,878, G>T. VCF-style: chrX-139561878-G-T. GRCh37 (hg19) VCF-style: chrX-138644037-G-T.
Other names: c.1079G>T, p.Gly360Val (NM_001313913.2); short protein forms G360V, G398V.
Identifiers: ClinVar variation 2444307 (VCV002444307.1), dbSNP rs2520846993, ClinGen allele CA414446386.

ClinVar aggregate classification (germline): Likely pathogenic (1 of 4 stars; one submission).

Conditions:
Hereditary factor IX deficiency disease (HEMB). Also called: F9 DEFICIENCY; FACTOR IX DEFICIENCY; PLASMA THROMBOPLASTIN COMPONENT DEFICIENCY; Hemophilia B; Christmas Disease. Identifiers: Orphanet 98879, MedGen C0008533, MeSH D002836, MONDO:0010604, OMIM 306900.

Submission:

3billion
Classification: Likely pathogenic for Hereditary factor IX deficiency disease. Last evaluated: 2023-02-23. Review status: criteria provided, single submitter. Criteria: ACMG Guidelines, 2015. Collection method: clinical testing. Allele origin: unknown. Affected: yes.
Comment: The variant is not observed in the gnomAD v2.1.1 dataset. The variant is located in a mutational hot spot and/or well-established functional domain in which established pathogenic variants have been reported. Missense changes are a common disease-causing mechanism. In silico tool predictions suggest damaging effect of the variant on gene or gene product (REVEL: 0.91; 3Cnet: 0.93). Different missense changes at the same codon (p.Gly398Ala, p.Gly398Asp, p.Gly398Ser) have been reported to be associated with F9 related disorder (PMID: 10874302, 7937052, 8594556). Therefore, this variant is classified as Likely pathogenic according to the recommendation of ACMG/AMP guideline.

Literature cited by the submitters: PubMed 8594556; PubMed 10874302; PubMed 7937052.